The following is an entry in ClinVar:

ClinVar aggregate classification (germline): Conflicting classifications of pathogenicity. Review status: criteria provided, conflicting classifications (1 of 4 stars). 8 submissions from 6 submitters: Uncertain significance (3); Benign (2); Likely benign (2). 1 of the submissions does not count toward it. Last evaluated 2026-01-26.

Conditions:
Retinal dystrophy. Also called: Inherited retinal dystrophy. Identifiers: Orphanet 71862, MedGen C0854723, MeSH D058499, MONDO:0019118, HP:0000556.
Retinitis pigmentosa 12 (RP12). Also called: RP WITH OR WITHOUT PRESERVED PARAARTERIOLE RETINAL PIGMENT EPITHELIUM; RETINITIS PIGMENTOSA WITH OR WITHOUT PARAARTERIOLAR PRESERVATION OF RETINAL PIGMENT EPITHELIUM; RP WITH OR WITHOUT PPRPE. Identifiers: Orphanet 791, MedGen C1838647, MONDO:0010818, OMIM 600105.
Leber congenital amaurosis 8 (LCA8). Identifiers: Orphanet 65, MedGen C3151202, MONDO:0013453, OMIM 613835.
Retinitis pigmentosa (RP). Identifiers: Orphanet 791, MedGen C0035334, MeSH D012174, MONDO:0019200, OMIM 268000. Inheritance: Autosomal dominant, autosomal recessive and X linked inheritance.
Pigmented paravenous retinochoroidal atrophy. Identifiers: Orphanet 251295, MedGen C1868310, MONDO:0008246, OMIM 172870.

Allele frequency attached by ClinVar (database versions not stated): gnomAD 0.00025; TOPMed 0.00025; ExAC 0.00027; ESP Exome Variant Server 0.00031; 1000 Genomes Project 0.00060; 1000 Genomes Project 30x 0.00062.
gnomAD v4.1: 795 of 1,614,138 alleles (0.049%); highest among the groups gnomAD compares: Non-Finnish European, 0.062%; 2 homozygotes.

Submissions (8):

Labcorp Genetics (formerly Invitae), Labcorp
Classification: Likely benign for Leber congenital amaurosis 8; Retinitis pigmentosa 12. Last evaluated: 2026-01-26. Review status: criteria provided, single submitter. Criteria: Invitae Variant Classification Sherloc (09022015). Collection method: clinical testing. Allele origin: germline.

Blueprint Genetics
Classification: Likely benign. Last evaluated: 2024-10-15. Review status: criteria provided, single submitter. Criteria: ACMG Guidelines, 2015. Collection method: clinical testing. Allele origin: germline.

Dept Of Ophthalmology, Nagoya University
Classification: Uncertain significance for Retinal dystrophy. Last evaluated: 2023-10-01. Review status: criteria provided, single submitter. Criteria: Submitter's publication. Collection method: research. Allele origin: germline. Affected: yes.

Illumina Laboratory Services, Illumina
Classification: Benign for Pigmented paravenous retinochoroidal atrophy. Last evaluated: 2018-01-12. Review status: criteria provided, single submitter. Criteria: ICSL Variant Classification Criteria 13 December 2019. Collection method: clinical testing. Allele origin: germline.
Comment: This variant was observed in the ICSL laboratory as part of a predisposition screen in an ostensibly healthy population. It had not been previously curated by ICSL or reported in the Human Gene Mutation Database (HGMD: prior to June 1st, 2018), and was therefore a candidate for classification through an automated scoring system. Utilizing variant allele frequency, disease prevalence and penetrance estimates, and inheritance mode, an automated score was calculated to assess if this variant is too frequent to cause the disease. Based on the score and internal cut-off values, a variant classified as benign is not then subjected to further curation. The score for this variant resulted in a classification of benign for this disease.

Illumina Laboratory Services, Illumina
Classification: Uncertain significance for Leber congenital amaurosis 8. Last evaluated: 2018-01-12. Review status: criteria provided, single submitter. Criteria: ICSL Variant Classification Criteria 13 December 2019. Collection method: clinical testing. Allele origin: germline.

Illumina Laboratory Services, Illumina
Classification: Uncertain significance for Retinitis pigmentosa. Last evaluated: 2018-01-12. Review status: criteria provided, single submitter. Criteria: ICSL Variant Classification Criteria 13 December 2019. Collection method: clinical testing. Allele origin: germline.

GeneDx
Classification: Benign. Last evaluated: 2015-03-03. Review status: criteria provided, single submitter. Criteria: GeneDx Variant Classification Process June 2021. Collection method: clinical testing. Allele origin: germline. Affected: yes.

Retina International
No classification provided. Review status: no classification provided. Collection method: not provided. Allele origin: not provided. Not counted in ClinVar's aggregate classification.

NM_201253.3(CRB1):c.1428C>T (p.Thr476=)

Gene: CRB1 (crumbs cell polarity complex component 1; plus strand). Cytogenetic location: 1q31.3.
Variant type: single nucleotide variant.
Coding change: c.1428C>T on transcript NM_201253.3 (MANE Select); coding-DNA position 1428, C replaced by T.
Protein change: p.Thr476=; no amino-acid change (threonine 476 retained).
Molecular consequence: synonymous variant. On other transcripts: non-coding transcript variant (2).
Genome position (GRCh38, 1-based): chr1:197,421,256, C>T. VCF-style: chr1-197421256-C-T. GRCh37 (hg19) VCF-style: chr1-197390386-C-T.
Other names: c.1092C>T, p.Thr364= (NM_001193640.2); c.1221C>T, p.Thr407= (NM_001257965.2); c.1428C>T, p.Thr476= (NM_001257966.2).
Identifiers: ClinVar variation 99869 (VCV000099869.20), dbSNP rs62636282, ClinGen allele CA227991.
Genomic context (GRCh38, chr1:197,421,256, plus strand): 5'-CATCCCTCACTTCCAAGATGGCCAGCATGGATTCAGCTGCCTATGTCCATCTGGCTACAC[C>T]GGGTCCCTGTGTGAAATCGCAACCACACTTTCATTTGAGGGCGATGGCTTCCTGTGGGTC-3'
Protein context (NP_957705.1, residues 466-486): GFSCLCPSGY[Thr476=]GSLCEIATTL